The following is an entry in ClinVar:

ClinVar aggregate classification (germline): Uncertain significance. Review status: criteria provided, multiple submitters, no conflicts (2 of 4 stars). 2 submissions from 2 submitters: Uncertain significance (2). Last evaluated 2026-07-07.

Conditions:
HGSNAT-related disorder. Also called: HGSNAT-related condition.
Inborn genetic diseases. Identifiers: MedGen C0950123, MeSH D030342.

Allele frequency attached by ClinVar (database versions not stated): gnomAD 0.00001; TOPMed 0.00002; ExAC 0.00004.
gnomAD v4.1: 41 of 1,613,044 alleles (0.0025%); highest among the groups gnomAD compares: Non-Finnish European, 0.0033%; no homozygotes.

Submissions (2):

PreventionGenetics, part of Exact Sciences
Classification: Uncertain significance for HGSNAT-related condition. Last evaluated: 2026-07-07. Review status: criteria provided, single submitter. Criteria: ACMG Guidelines, 2015. Collection method: clinical testing. Allele origin: germline.
Comment: The HGSNAT c.1331G>A variant is predicted to result in the amino acid substitution p.Arg444His. To our knowledge, this variant has not been reported in the literature. This variant is reported in 0.0084% of alleles in individuals of African descent in gnomAD. At this time, the clinical significance of this variant is uncertain due to the absence of conclusive functional and genetic evidence.

Ambry Genetics
Classification: Uncertain significance for Inborn genetic diseases. Last evaluated: 2023-12-28. Review status: criteria provided, single submitter. Criteria: Ambry Variant Classification Scheme 2023. Collection method: clinical testing. Allele origin: germline.

NM_152419.3(HGSNAT):c.1331G>A (p.Arg444His)

Gene: HGSNAT (heparan-alpha-glucosaminide N-acetyltransferase; plus strand). Cytogenetic location: 8p11.21.
Variant type: single nucleotide variant.
Coding change: c.1331G>A on transcript NM_152419.3 (MANE Select); coding-DNA position 1331, G replaced by A.
Protein change: p.Arg444His; replaces arginine 444 with histidine.
Molecular consequence: missense variant.
Genome position (GRCh38, 1-based): chr8:43,192,384, G>A. VCF-style: chr8-43192384-G-A. GRCh37 (hg19) VCF-style: chr8-43047527-G-A.
Other names: c.1331G>A, p.Arg444His (NM_001363227.2); c.1139G>A, p.Arg380His (NM_001363228.2); c.467G>A, p.Arg156His (NM_001363229.2); short protein forms R156H, R444H, R380H.
Identifiers: ClinVar variation 3105673 (VCV003105673.2), dbSNP rs766803070, ClinGen allele CA4736846.
Genomic context (GRCh38, chr8:43,192,384, plus strand): 5'-GCATTGGAGATTTTGGCAAGTATCCAAATTGCACTGGAGGAGCTGCAGGCTACATCGACC[G>A]CCTGCTGCTGGGAGACGATCACCTTTACCAGCACCCATCTTCTGCTGTGAGTGAGACTCG-3'
Protein context (NP_689632.2, residues 434-454): CTGGAAGYID[Arg444His]LLLGDDHLYQ